The following is an entry in ClinVar:

NM_003738.5(PTCH2):c.2914C>T (p.Leu972=)

Gene: PTCH2 (patched 2; minus strand). Cytogenetic location: 1p34.1.
Variant type: single nucleotide variant.
Coding change: c.2914C>T on transcript NM_003738.5 (MANE Select); coding-DNA position 2914, C replaced by T.
Protein change: p.Leu972=; no amino-acid change (leucine 972 retained).
Molecular consequence: synonymous variant.
Genome position (GRCh38, 1-based): chr1:44,826,550, G>A on the plus strand (C>T on the coding strand, the complement: PTCH2 is on the minus strand). VCF-style: chr1-44826550-G-A. GRCh37 (hg19) VCF-style: chr1-45292222-G-A.
Other names: c.2914C>T, p.Leu972= (NM_001166292.2).
Identifiers: ClinVar variation 3045247 (VCV003045247.2), dbSNP rs2148874065, ClinGen allele CA417561663.
Genomic context (GRCh38, chr1:44,826,550, plus strand): 5'-TGAGGCCAGCCGTCCAGGGGTTGAGGAGCAGCAGAGCACAGACGAGGAAAGTGCACACCA[G>A]CAGGATGCAGACGGCCAGCAGGAAGCAGCGCCGCAGGCCCAGATACTGTTCCCAGAAGAG-3'
Protein context (NP_003729.3, residues 962-982): RCFLLAVCIL[Leu972=]VCTFLVCALL

ClinVar aggregate classification (germline): Likely benign (0 of 4 stars; one submission).

Conditions:
PTCH2-related disorder. Also called: PTCH2-related disease; PTCH2-related condition.

Submission:

PreventionGenetics, part of Exact Sciences
Classification: Likely benign for PTCH2-related condition. Last evaluated: 2022-08-03. Review status: no assertion criteria provided. Collection method: clinical testing. Allele origin: germline.
Comment: This variant is classified as likely benign based on ACMG/AMP sequence variant interpretation guidelines (Richards et al. 2015 PMID: 25741868, with internal and published modifications).